The following is an entry in ClinVar:

ClinVar aggregate classification (germline): Uncertain significance (1 of 4 stars; one submission).

gnomAD v4.1: 96 of 1,613,474 alleles (0.0059%); highest among the groups gnomAD compares: East Asian, 0.12%; no homozygotes.

Submission:

Labcorp Genetics (formerly Invitae), Labcorp
Classification: Uncertain significance. Last evaluated: 2024-11-23. Review status: criteria provided, single submitter. Criteria: Invitae Variant Classification Sherloc (09022015). Collection method: clinical testing. Allele origin: germline.
Comment: This sequence change falls in intron 7 of the TOP1MT gene. It does not directly change the encoded amino acid sequence of the TOP1MT protein. It affects a nucleotide within the consensus splice site. This variant is present in population databases (rs200872473, gnomAD 0.01%). This variant has not been reported in the literature in individuals affected with TOP1MT-related conditions. Variants that disrupt the consensus splice site are a relatively common cause of aberrant splicing (PMID: 17576681, 9536098). Algorithms developed to predict the effect of sequence changes on RNA splicing suggest that this variant is not likely to affect RNA splicing. In summary, the available evidence is currently insufficient to determine the role of this variant in disease. Therefore, it has been classified as a Variant of Uncertain Significance.

Literature cited by the submitters: PubMed 17576681; PubMed 9536098.

NM_052963.3(TOP1MT):c.960+6C>T

Gene: TOP1MT (DNA topoisomerase I mitochondrial; minus strand). Cytogenetic location: 8q24.3.
Variant type: single nucleotide variant.
Coding change: c.960+6C>T on transcript NM_052963.3 (MANE Select); 6 bases into the intron after coding-DNA position 960, C replaced by T.
Molecular consequence: intron variant.
Genome position (GRCh38, 1-based): chr8:143,323,993, G>A on the plus strand (C>T on the coding strand, the complement: TOP1MT is on the minus strand). VCF-style: chr8-143323993-G-A. GRCh37 (hg19) VCF-style: chr8-144406163-G-A.
Other names: c.666+6C>T (NM_001258447.1, NM_001258446.1).
Identifiers: ClinVar variation 3670317 (VCV003670317.2).